The following is an entry in ClinVar:

NM_203288.2(RP9):c.*317G>A

Gene: RP9 (RP9 pre-mRNA splicing factor; minus strand). Cytogenetic location: 7p14.3.
Variant type: single nucleotide variant.
Coding change: c.*317G>A on transcript NM_203288.2 (MANE Select); 317 bases downstream of the stop codon, G replaced by A.
Molecular consequence: 3 prime UTR variant.
Genome position (GRCh38, 1-based): chr7:33,094,917, C>T on the plus strand (G>A on the coding strand, the complement: RP9 is on the minus strand). VCF-style: chr7-33094917-C-T. GRCh37 (hg19) VCF-style: chr7-33134529-C-T.
Identifiers: ClinVar variation 909960 (VCV000909960.4), dbSNP rs528976601, ClinGen allele CA156253340.
Genomic context (GRCh38, chr7:33,094,917, plus strand): 5'-GTCTATGGGACCTGAGTCCACACTGTGGAGGGCACAAGCTGTGGGAGGGCCTGGAAGACA[C>T]GCCTCAGAGATTCTCCCAGTCCTGCCACCCTGTGGGAGACACTTCAAAGGAATCGTAAAC-3'

ClinVar aggregate classification (germline): Likely benign (1 of 4 stars; one submission).

Conditions:
Retinitis pigmentosa (RP). Identifiers: Orphanet 791, MedGen C0035334, MeSH D012174, MONDO:0019200, OMIM 268000. Inheritance: Autosomal dominant, autosomal recessive and X linked inheritance.

Allele frequency attached by ClinVar (database versions not stated): TOPMed 0.00010; 1000 Genomes Project 30x 0.00031; 1000 Genomes Project 0.00040; gnomAD exomes 0.00067; gnomAD 0.00110 and 0.00115.

Submission:

Illumina Laboratory Services, Illumina
Classification: Likely benign for Retinitis pigmentosa. Last evaluated: 2018-01-12. Review status: criteria provided, single submitter. Criteria: ICSL Variant Classification Criteria 13 December 2019. Collection method: clinical testing. Allele origin: germline.
Comment: This variant was observed in the ICSL laboratory as part of a predisposition screen in an ostensibly healthy population. It had not been previously curated by ICSL or reported in the Human Gene Mutation Database (HGMD: prior to June 1st, 2018), and was therefore a candidate for classification through an automated scoring system. Utilizing variant allele frequency, disease prevalence and penetrance estimates, and inheritance mode, an automated score was calculated to assess if this variant is too frequent to cause the disease. Based on the score and internal cut-off values, a variant classified as likely benign is not then subjected to further curation. The score for this variant resulted in a classification of likely benign for this disease.